The following is an entry in ClinVar:

ClinVar aggregate classification (germline): Uncertain significance. Review status: criteria provided, multiple submitters, no conflicts (2 of 4 stars). 2 submissions from 2 submitters: Uncertain significance (2). Last evaluated 2026-01-05.

Conditions:
Atypical hemolytic-uremic syndrome. Identifiers: Orphanet 2134, MedGen C2931788, MONDO:0016244.
Basal laminar drusen. Also called: DRUSEN OF BRUCH MEMBRANE; DRUSEN, CUTICULAR; DRUSEN, EARLY ADULT-ONSET, GROUPED. Identifiers: Orphanet 75376, MedGen C0730295, MONDO:0007472, OMIM 126700.
Factor H deficiency (CFHD). Also called: COMPLEMENT FACTOR H DEFICIENCY; CFH DEFICIENCY. Identifiers: Orphanet 200421, MedGen C0398777, MONDO:0012350, OMIM 609814.
Age related macular degeneration 4. Identifiers: MedGen C1853147, MONDO:0012540, OMIM 610698.

gnomAD v4.1: 16 of 1,613,902 alleles (0.00099%); highest among the groups gnomAD compares: Non-Finnish European, 0.0014%; no homozygotes.

Submissions (2):

Labcorp Genetics (formerly Invitae), Labcorp
Classification: Uncertain significance. Last evaluated: 2026-01-05. Review status: criteria provided, single submitter. Criteria: Invitae Variant Classification Sherloc (09022015). Collection method: clinical testing. Allele origin: germline.
Comment: This sequence change replaces threonine, which is neutral and polar, with arginine, which is basic and polar, at codon 34 of the CFH protein (p.Thr34Arg). This variant is present in population databases (rs765897045, gnomAD 0.002%). This variant has not been reported in the literature in individuals affected with CFH-related conditions. ClinVar contains an entry for this variant (Variation ID: 4291353). An algorithm developed to predict the effect of missense changes on protein structure and function (PolyPhen-2) suggests that this variant is likely to be disruptive. In summary, the available evidence is currently insufficient to determine the role of this variant in disease. Therefore, it has been classified as a Variant of Uncertain Significance.

Genomenon, Inc
Classification: Uncertain significance for Basal laminar drusen; Age related macular degeneration 4; Atypical hemolytic-uremic syndrome; Factor H deficiency. Last evaluated: 2025-10-02. Review status: criteria provided, single submitter. Criteria: Genomenon Sequence Variant Interpretation Standards - Updated. Collection method: curation. Allele origin: germline. Affected: no.
Comment: CFH p.Thr34Arg (c.101C>G) is a missense variant that changes the amino acid at residue 34 from Threonine to Arginine. This variant has been reported in the published literature (PMID:25474345). It is absent or not present at a significant frequency in gnomAD. In conclusion, we classify CFH p.Thr34Arg (c.101C>G) as a variant of uncertain significance.

Literature cited by the submitters: PubMed 25474345 (cited by Genomenon, Inc).

NM_000186.4(CFH):c.101C>G (p.Thr34Arg)

Gene: CFH (complement factor H; plus strand). Cytogenetic location: 1q31.3.
Variant type: single nucleotide variant.
Coding change: c.101C>G on transcript NM_000186.4 (MANE Select); coding-DNA position 101, C replaced by G.
Protein change: p.Thr34Arg; replaces threonine 34 with arginine.
Molecular consequence: missense variant.
Genome position (GRCh38, 1-based): chr1:196,673,020, C>G. VCF-style: chr1-196673020-C-G. GRCh37 (hg19) VCF-style: chr1-196642150-C-G.
Other names: c.101C>G, p.Thr34Arg (NM_001014975.3); short protein forms T34R.
Identifiers: ClinVar variation 4291353 (VCV004291353.2).